The following is an entry in ClinVar:

NM_001220.5(CAMK2B):c.1978G>A (p.Ala660Thr)

Gene: CAMK2B (calcium/calmodulin dependent protein kinase II beta; minus strand). Cytogenetic location: 7p13.
Variant type: single nucleotide variant.
Coding change: c.1978G>A on transcript NM_001220.5 (MANE Select); coding-DNA position 1978, G replaced by A.
Protein change: p.Ala660Thr; replaces alanine 660 with threonine.
Molecular consequence: missense variant.
Genome position (GRCh38, 1-based): chr7:44,220,085, C>T on the plus strand (G>A on the coding strand, the complement: CAMK2B is on the minus strand). VCF-style: chr7-44220085-C-T. GRCh37 (hg19) VCF-style: chr7-44259684-C-T.
Other names: c.1606G>A, p.Ala536Thr (NM_001293170.2, NM_172078.3); c.1534G>A, p.Ala512Thr (NM_172079.3); c.1531G>A, p.Ala511Thr (NM_172080.3); c.1489G>A, p.Ala497Thr (NM_172081.3); c.1456G>A, p.Ala486Thr (NM_172082.3); c.1417G>A, p.Ala473Thr (NM_172083.3); c.1327G>A, p.Ala443Thr (NM_172084.3); c.1978G>A (NM_001220.4); short protein forms A660T, A443T, A486T, A536T, A473T, A512T, A497T, A511T.
Identifiers: ClinVar variation 493451 (VCV000493451.50), dbSNP rs565318645, ClinGen allele CA4240050.

ClinVar aggregate classification (germline): Likely benign. Review status: criteria provided, multiple submitters, no conflicts (2 of 4 stars). 4 submissions from 4 submitters: Likely benign (3). 1 of the submissions does not count toward it. Last evaluated 2025-11-01.

Conditions:
CAMK2B-related disorder. Also called: CAMK2B-related condition.
Inborn genetic diseases. Identifiers: MedGen C0950123, MeSH D030342.

Allele frequency attached by ClinVar (database versions not stated): gnomAD 0.00005 and 0.00006; ExAC 0.00006; gnomAD exomes 0.00008 and 0.00011; TOPMed 0.00010.
gnomAD v4.1: 156 of 1,600,902 alleles (0.0097%); highest among the groups gnomAD compares: Middle Eastern, 0.016%; no homozygotes.

Submissions (4):

CeGaT Center for Human Genetics Tuebingen
Classification: Likely benign. Last evaluated: 2025-11-01. Review status: criteria provided, single submitter. Criteria: CeGaT Center For Human Genetics Tuebingen Variant Classification Criteria Version 2. Collection method: clinical testing. Allele origin: germline. Affected: yes. Observed: 7 variant alleles.
Comment: CAMK2B: BP4

Labcorp Genetics (formerly Invitae), Labcorp
Classification: Likely benign. Last evaluated: 2025-06-26. Review status: criteria provided, single submitter. Criteria: Invitae Variant Classification Sherloc (09022015). Collection method: clinical testing. Allele origin: germline.

Ambry Genetics
Classification: Likely benign for Inborn genetic diseases. Last evaluated: 2021-10-21. Review status: criteria provided, single submitter. Criteria: Ambry Variant Classification Scheme 2023. Collection method: clinical testing. Allele origin: germline.

PreventionGenetics, part of Exact Sciences
Classification: Likely benign for CAMK2B-related condition. Last evaluated: 2022-07-12. Review status: no assertion criteria provided. Collection method: clinical testing. Allele origin: germline. Not counted in ClinVar's aggregate classification.
Comment: This variant is classified as likely benign based on ACMG/AMP sequence variant interpretation guidelines (Richards et al. 2015 PMID: 25741868, with internal and published modifications).